The following is an entry in ClinVar:

ClinVar aggregate classification (germline): Uncertain significance. Review status: criteria provided, multiple submitters, no conflicts (2 of 4 stars). 3 submissions from 3 submitters: Uncertain significance (3). Last evaluated 2024-10-17.

Conditions:
EYA1-related disorder. Also called: EYA1-related condition.
Melnick-Fraser syndrome (BOR). Also called: Branchiootorenal syndrome; Branchio-oto-renal syndrome; Branchiootorenal Syndrome (BORS). Identifiers: Orphanet 107, MedGen C0265234, MONDO:0007029.

Allele frequency attached by ClinVar (database versions not stated): ExAC 0.00001; gnomAD 0.00001; gnomAD exomes 0.00001; TOPMed 0.00001.
gnomAD v4.1: 19 of 1,613,968 alleles (0.0012%); highest among the groups gnomAD compares: Non-Finnish European, 0.0014%; no homozygotes.

Submissions (3):

PreventionGenetics, part of Exact Sciences
Classification: Uncertain significance for EYA1-related condition. Last evaluated: 2024-10-17. Review status: criteria provided, single submitter. Criteria: ACMG Guidelines, 2015. Collection method: clinical testing. Allele origin: germline.
Comment: The EYA1 c.1454C>T variant is predicted to result in the amino acid substitution p.Ala485Val. To our knowledge, this variant has not been reported in the literature. This variant is reported in 0.0062% of alleles in individuals of African descent in gnomAD. At this time, the clinical significance of this variant is uncertain due to the absence of conclusive functional and genetic evidence.

Labcorp Genetics (formerly Invitae), Labcorp
Classification: Uncertain significance for Melnick-Fraser syndrome. Last evaluated: 2021-05-28. Review status: criteria provided, single submitter. Criteria: Invitae Variant Classification Sherloc (09022015). Collection method: clinical testing. Allele origin: germline.
Comment: In summary, the available evidence is currently insufficient to determine the role of this variant in disease. Therefore, it has been classified as a Variant of Uncertain Significance. Algorithms developed to predict the effect of missense changes on protein structure and function (SIFT, PolyPhen-2, Align-GVGD) all suggest that this variant is likely to be tolerated, but these predictions have not been confirmed by published functional studies and their clinical significance is uncertain. This variant has not been reported in the literature in individuals with EYA1-related conditions. This variant is present in population databases (rs778970223, ExAC 0.01%). This sequence change replaces alanine with valine at codon 485 of the EYA1 protein (p.Ala485Val). The alanine residue is highly conserved and there is a small physicochemical difference between alanine and valine.

GeneDx
Classification: Uncertain significance. Last evaluated: 2019-09-13. Review status: criteria provided, single submitter. Criteria: GeneDx Variant Classification Process June 2021. Collection method: clinical testing. Allele origin: germline. Affected: yes.
Comment: In silico analysis, which includes protein predictors and evolutionary conservation, supports that this variant does not alter protein structure/function; Has not been previously published as pathogenic or benign to our knowledge

NM_000503.6(EYA1):c.1454C>T (p.Ala485Val)

Gene: EYA1 (EYA transcriptional coactivator and phosphatase 1; minus strand). Cytogenetic location: 8q13.3.
Variant type: single nucleotide variant.
Coding change: c.1454C>T on transcript NM_000503.6 (MANE Select); coding-DNA position 1454, C replaced by T.
Protein change: p.Ala485Val; replaces alanine 485 with valine.
Molecular consequence: missense variant.
Genome position (GRCh38, 1-based): chr8:71,215,635, G>A on the plus strand (C>T on the coding strand, the complement: EYA1 is on the minus strand). VCF-style: chr8-71215635-G-A. GRCh37 (hg19) VCF-style: chr8-72127870-G-A.
Other names: c.1454C>T (NM_172058.3); c.1436C>T, p.Ala479Val (NM_001288574.2, NM_172059.5); c.1088C>T, p.Ala363Val (NM_001288575.2); c.1541C>T, p.Ala514Val (NM_001370333.1); c.1454C>T, p.Ala485Val (NM_001370334.1, NM_001370335.1, NM_172058.4); c.1433C>T, p.Ala478Val (NM_001370336.1); short protein forms A363V, A478V, A479V, A485V, A514V.
Identifiers: ClinVar variation 1312179 (VCV001312179.10), dbSNP rs778970223, ClinGen allele CA4779464.
Genomic context (GRCh38, chr8:71,215,635, plus strand): 5'-TTGCCCATTTCCTGGCAAAGACCCCGCAGAGAGCCTCACCGGGAGTGAATGAGCGAGAGT[G>A]CTTTCAGGGCCAGTGTCAACCAGGAGTCGGTCAGGGCTTCAATTTCGGCCCTCAACTGCA-3'
Protein context (NP_000494.2, residues 475-495): TDSWLTLALK[Ala485Val]LSLIHSRTNC